The following is an entry in ClinVar:

NM_144999.4(LRRC45):c.430G>T (p.Gly144Cys)

Gene: LRRC45 (leucine rich repeat containing 45; plus strand). Cytogenetic location: 17q25.3.
Variant type: single nucleotide variant.
Coding change: c.430G>T on transcript NM_144999.4 (MANE Select); coding-DNA position 430, G replaced by T.
Protein change: p.Gly144Cys; replaces glycine 144 with cysteine.
Molecular consequence: missense variant.
Genome position (GRCh38, 1-based): chr17:82,025,076, G>T. VCF-style: chr17-82025076-G-T. GRCh37 (hg19) VCF-style: chr17-79982952-G-T.
Other names: short protein forms G144C.
Identifiers: ClinVar variation 4999483 (VCV004999483.1).

ClinVar aggregate classification (germline): Uncertain significance (1 of 4 stars; one submission).

Conditions:
LRRC45-related disorder. Also called: LRRC45-related condition.

gnomAD v4.1: 3 of 1,610,000 alleles (0.00019%); highest among the groups gnomAD compares: Non-Finnish European, 0.00025%; no homozygotes.

Submission:

PreventionGenetics, part of Exact Sciences
Classification: Uncertain significance for LRRC45-related condition. Last evaluated: 2026-03-11. Review status: criteria provided, single submitter. Criteria: ACMG Guidelines, 2015. Collection method: clinical testing. Allele origin: germline.
Comment: The LRRC45 c.430G>T variant is predicted to result in the amino acid substitution p.Gly144Cys. To our knowledge, this variant has not been reported in the literature or in a large population database (gnomAD), indicating this variant is rare. At this time, the clinical significance of this variant is uncertain due to the absence of conclusive functional and genetic evidence.